The following is an entry in ClinVar:

ClinVar aggregate classification (germline): Uncertain significance (1 of 4 stars; one submission).

Allele frequency attached by ClinVar (database versions not stated): gnomAD exomes below 0.00001.
gnomAD v4.1: 6 of 1,611,860 alleles (0.00037%); highest among the groups gnomAD compares: East Asian, 0.0089%; no homozygotes.

Submission:

Labcorp Genetics (formerly Invitae), Labcorp
Classification: Uncertain significance. Last evaluated: 2024-10-24. Review status: criteria provided, single submitter. Criteria: Invitae Variant Classification Sherloc (09022015). Collection method: clinical testing. Allele origin: germline.
Comment: This sequence change replaces glutamine, which is neutral and polar, with glutamic acid, which is acidic and polar, at codon 474 of the LRPPRC protein (p.Gln474Glu). This variant is present in population databases (no rsID available, gnomAD 0.006%). This variant has not been reported in the literature in individuals affected with LRPPRC-related conditions. ClinVar contains an entry for this variant (Variation ID: 1413092). Invitae Evidence Modeling of protein sequence and biophysical properties (such as structural, functional, and spatial information, amino acid conservation, physicochemical variation, residue mobility, and thermodynamic stability) indicates that this missense variant is not expected to disrupt LRPPRC protein function with a negative predictive value of 80%. In summary, the available evidence is currently insufficient to determine the role of this variant in disease. Therefore, it has been classified as a Variant of Uncertain Significance.

NM_133259.4(LRPPRC):c.1420C>G (p.Gln474Glu)

Gene: LRPPRC (leucine rich pentatricopeptide repeat containing; minus strand). Cytogenetic location: 2p21.
Variant type: single nucleotide variant.
Coding change: c.1420C>G on transcript NM_133259.4 (MANE Select); coding-DNA position 1420, C replaced by G.
Protein change: p.Gln474Glu; replaces glutamine 474 with glutamic acid.
Molecular consequence: missense variant.
Genome position (GRCh38, 1-based): chr2:43,963,656, G>C on the plus strand (C>G on the coding strand, the complement: LRPPRC is on the minus strand). VCF-style: chr2-43963656-G-C. GRCh37 (hg19) VCF-style: chr2-44190795-G-C.
Other names: short protein forms Q474E.
Identifiers: ClinVar variation 1413092 (VCV001413092.7), dbSNP rs1458702824, ClinGen allele CA346679414.
Genomic context (GRCh38, chr2:43,963,656, plus strand): 5'-TGGCTCGTGCTGAGTTTACACTATCAAAGCATGGAATCACATAATCTGTATATGTTTCCT[G>C]ATCAGGATGTACTCCCAATTCTTGCATTCCTTTGAGGATTTCAATTATACCTACCAAATA-3'
Protein context (NP_573566.2, residues 464-484): GMQELGVHPD[Gln474Glu]ETYTDYVIPC